The following is an entry in ClinVar:

ClinVar aggregate classification (germline): Uncertain significance (1 of 4 stars; one submission).

Allele frequency attached by ClinVar (database versions not stated): TOPMed below 0.00001; gnomAD 0.00001.
gnomAD v4.1: 4 of 1,613,320 alleles (0.00025%); highest among the groups gnomAD compares: East Asian, 0.0067%; no homozygotes.

Submission:

Labcorp Genetics (formerly Invitae), Labcorp
Classification: Uncertain significance. Last evaluated: 2023-06-06. Review status: criteria provided, single submitter. Criteria: Invitae Variant Classification Sherloc (09022015). Collection method: clinical testing. Allele origin: germline.
Comment: This variant has not been reported in the literature in individuals affected with PCK2-related conditions. This sequence change replaces isoleucine, which is neutral and non-polar, with threonine, which is neutral and polar, at codon 60 of the PCK2 protein (p.Ile60Thr). This variant is present in population databases (no rsID available, gnomAD 0.01%). Advanced modeling of protein sequence and biophysical properties (such as structural, functional, and spatial information, amino acid conservation, physicochemical variation, residue mobility, and thermodynamic stability) has been performed at Invitae for this missense variant, however the output from this modeling did not meet the statistical confidence thresholds required to predict the impact of this variant on PCK2 protein function. In summary, the available evidence is currently insufficient to determine the role of this variant in disease. Therefore, it has been classified as a Variant of Uncertain Significance.

NM_004563.4(PCK2):c.179T>C (p.Ile60Thr)

Genes: NRL (neural retina leucine zipper; minus strand), PCK2 (phosphoenolpyruvate carboxykinase 2, mitochondrial; plus strand). Cytogenetic location: 14q11.2.
Variant type: single nucleotide variant.
Coding change: c.179T>C on transcript NM_004563.4 (MANE Select); coding-DNA position 179, T replaced by C.
Protein change: p.Ile60Thr; replaces isoleucine 60 with threonine.
Molecular consequence: missense variant. On other transcripts: 5 prime UTR variant (1), intron variant (4).
Genome position (GRCh38, 1-based): chr14:24,097,041, T>C. VCF-style: chr14-24097041-T-C. GRCh37 (hg19) VCF-style: chr14-24566250-T-C.
Other names: c.179T>C, p.Ile60Thr (NM_001018073.3); c.-224T>C (NM_001308054.2); c.-27-14166A>G (NM_001354768.3, NM_001354770.2); c.-253-12296A>G (NM_006177.5); c.-127-1162T>C (NM_001291556.2); short protein forms I60T.
Identifiers: ClinVar variation 3016853 (VCV003016853.3), dbSNP rs1479436552, ClinGen allele CA389193338.
Genomic context (GRCh38, chr14:24,097,041, plus strand): 5'-TTCCCACTGGCATTCGAGATTTTGTAGAGCACAGTGCCCGCCTGTGCCAACCAGAGGGCA[T>C]CCACATCTGTGATGGAACTGAGGCTGAGAATACTGCCACACTGACCCTGCTGGAGCAGCA-3'
Protein context (NP_004554.3, residues 50-70): HSARLCQPEG[Ile60Thr]HICDGTEAEN